The following is an entry in ClinVar:

NC_000005.9:g.(?_80109393)_(80109570_?)dup

Gene: MSH3 (mutS homolog 3; plus strand). Cytogenetic location: 5q14.1.
Variant type: Duplication.
Identifiers: ClinVar variation 1507465 (VCV001507465.4).

ClinVar aggregate classification (germline): Likely pathogenic (1 of 4 stars; one submission).

Submission:

Labcorp Genetics (formerly Invitae), Labcorp
Classification: Likely pathogenic. Last evaluated: 2021-04-11. Review status: criteria provided, single submitter. Criteria: Invitae Variant Classification Sherloc (09022015). Collection method: clinical testing. Allele origin: germline.
Comment: In summary, the currently available evidence indicates that the variant is pathogenic, but additional data are needed to prove that conclusively. Therefore, this variant has been classified as Likely Pathogenic. This variant has not been reported in the literature in individuals with MSH3-related conditions. This variant results in a copy number gain of the genomic region encompassing exon(s) 20 of the MSH3 gene. While the exact position of this variant cannot be determined from the data, sub-genic copy number gains are generally in tandem (PMID: 25640679). This variant is predicted to be out-of-frame, and may result in an absent or disrupted protein product. Loss-of-function variants in MSH3 are known to be pathogenic (PMID: 27476653).

Literature cited by the submitters: PubMed 25640679; PubMed 27476653.